The following is an entry in ClinVar:

ClinVar aggregate classification (germline): Pathogenic (1 of 4 stars; one submission).

Submission:

GeneDx
Classification: Pathogenic. Last evaluated: 2018-08-22. Review status: criteria provided, single submitter. Criteria: GeneDx Variant Classification (06012015). Collection method: clinical testing. Allele origin: germline. Affected: yes.
Comment: The c.81dupC variant in the BCL11B gene has not been reported previously as a pathogenic variant nor as a benign variant, to our knowledge. The c.81dupC variant causes a frameshift starting with codon Alanine 28, changes this amino acid to an Arginine residue, and creates a premature Stop codon at position 27 of the new reading frame, denoted p.Ala28ArgfsX27. This variant is predicted to cause loss of normal protein function either through protein truncation or nonsense-mediated mRNA decay. The c.81dupC variant is not observed in large population cohorts (Lek et al., 2016). We interpret c.81dupC as a pathogenic variant.

NM_138576.4(BCL11B):c.81dup (p.Ala28fs)

Gene: BCL11B (BAF chromatin remodeling complex subunit BCL11B; minus strand). Cytogenetic location: 14q32.2.
Variant type: Duplication.
Coding change: c.81dup on transcript NM_138576.4 (MANE Select); coding-DNA position 81, one base duplicated (C; older notation c.81dupC).
Protein change: p.Ala28fs; shifts the reading frame from alanine 28.
Molecular consequence: frameshift variant.
Genome position (GRCh38, 1-based): chr14:99,257,817, G duplicated on the plus strand (C on the coding strand, the reverse complement: BCL11B is on the minus strand); the first of 2 consecutive G bases (chr14:99,257,817-99,257,818); duplicating either gives the same sequence. VCF-style (leftmost placement, unchanged base first): chr14-99257816-C-CG. GRCh37 (hg19) VCF-style: chr14-99724153-C-CG.
Other names: c.78dup, p.Ala27fs (NM_001282237.2, NM_001282238.2); c.81dup, p.Ala28fs (NM_022898.3); short protein forms A28fs, A27fs.
Identifiers: ClinVar variation 817183 (VCV000817183.1), dbSNP rs1595080787, ClinGen allele CA915946348.
Genomic context (GRCh38, chr14:99,257,816, plus strand): 5'-CCATCAGCCCCAGGCCACTTGGCTCCTCTATCTCCAGACCCTCGTCTTCTTCGAGGATGG[C>CG]GGCCTCCACATGGTCAGCCTCTGCTGGAGACAGAAAGAAGAAAGGGAAGGGGCAGAGAAG-3'